The following is an entry in ClinVar:

ClinVar aggregate classification (germline): Conflicting classifications of pathogenicity. Review status: criteria provided, conflicting classifications (1 of 4 stars). 10 submissions from 10 submitters: Pathogenic (2); Likely pathogenic (6); Uncertain significance (2). Last evaluated 2026-03-12.

Conditions:
Primary ciliary dyskinesia 24 (CILD24). Also called: CILIARY DYSKINESIA, PRIMARY, 24, WITHOUT SITUS INVERSUS. Identifiers: Orphanet 244, MedGen C3809634, MONDO:0014202, OMIM 615481.
Primary ciliary dyskinesia. Also called: Ciliary dyskinesia. Identifiers: Orphanet 244, MedGen C0008780, MONDO:0016575, HP:0012265.

Allele frequency attached by ClinVar (database versions not stated): gnomAD exomes 0.00006 and 0.00026; 1000 Genomes Project 0.00020; ExAC 0.00051; gnomAD 0.00005.

Submissions (10):

GeneDx
Classification: Uncertain significance. Last evaluated: 2026-03-12. Review status: criteria provided, single submitter. Criteria: GeneDx Variant Classification Process June 2021. Collection method: clinical testing. Allele origin: germline.
Comment: RNA studies demonstrate a damaging effect leading to a frameshift and premature protein truncation (PMID: 23993197); In silico analysis suggests this variant may impact gene splicing. In the absence of RNA/functional studies, the actual effect of this sequence change is unknown.; This variant is associated with the following publications: (PMID: 23993197, 31772028, 39039281)

Labcorp Genetics (formerly Invitae), Labcorp
Classification: Likely pathogenic for Primary ciliary dyskinesia. Last evaluated: 2026-01-21. Review status: criteria provided, single submitter. Criteria: Invitae Variant Classification Sherloc (09022015). Collection method: clinical testing. Allele origin: germline.
Comment: This sequence change falls in intron 7 of the RSPH1 gene. It does not directly change the encoded amino acid sequence of the RSPH1 protein. RNA analysis indicates that this variant induces altered splicing and may result in an absent or altered protein product. The frequency data for this variant in the population databases is considered unreliable, as metrics indicate poor data quality at this position in the gnomAD database. This variant has been observed in individual(s) with primary ciliary dyskinesia (PMID: 23993197, 39039281). ClinVar contains an entry for this variant (Variation ID: 208999). Variants that disrupt the consensus splice site are a relatively common cause of aberrant splicing (PMID: 17576681, 9536098). Studies have shown that this variant results in inclusion of 2 nt of intronic sequence, and produces a non-functional protein and/or introduces a premature termination codon (PMID: 23993197). In summary, the currently available evidence indicates that the variant is pathogenic, but additional data are needed to prove that conclusively. Therefore, this variant has been classified as Likely Pathogenic.

Dasa
Classification: Pathogenic. Last evaluated: 2026-01-12. Review status: criteria provided, single submitter. Criteria: DASA Assertion Criteria. Collection method: clinical testing. Allele origin: germline.
Comment: NM_080860.4(RSPH1):c.727+5G>A is a splice-region variant predicted to affect normal RNA splicing. Functional evidence supports a deleterious effect on the gene or gene product (PMID: 23993197). This variant has been reported in individuals with related phenotype (PMID: 23993197). The variant is present at low frequency in population datasets. Based on the available data, this variant is classified as pathogenic.

First Genomix Gene Laboratory, Genetic Diagnostics Department
Classification: Likely pathogenic for Primary ciliary dyskinesia 24. Last evaluated: 2025-09-29. Review status: criteria provided, single submitter. Criteria: ACMG Guidelines, 2015. Collection method: clinical testing. Allele origin: germline. Inheritance: Autosomal recessive inheritance. Affected: no. Observed: 1 variant allele.

Department of Human Genetics, Hannover Medical School
Classification: Uncertain significance for Primary ciliary dyskinesia 24. Last evaluated: 2025-04-23. Review status: criteria provided, single submitter. Criteria: ACMG Guidelines, 2015. Collection method: clinical testing. Allele origin: germline. Affected: yes.
Comment: ACMG: PM2_Supporting, PM3_Supporting, PP3

Department of Pathology and Laboratory Medicine, Sinai Health System
Classification: Likely pathogenic for Primary ciliary dyskinesia 24. Last evaluated: 2023-04-17. Review status: criteria provided, single submitter. Criteria: ACMG Guidelines, 2015. Collection method: research. Allele origin: germline.

Institute for Medical Genetics and Human Genetics, Charité - Universitätsmedizin Berlin
Classification: Likely pathogenic for Primary ciliary dyskinesia 24. Last evaluated: 2022-09-22. Review status: criteria provided, single submitter. Criteria: ACMG Guidelines, 2015. Collection method: clinical testing. Allele origin: germline. Inheritance: Autosomal recessive inheritance. Affected: yes. Observed: 2 homozygotes.

Fulgent Genetics
Classification: Likely pathogenic for Primary ciliary dyskinesia 24. Last evaluated: 2022-04-22. Review status: criteria provided, single submitter. Criteria: ACMG Guidelines, 2015. Collection method: clinical testing. Allele origin: unknown.

AiLife Diagnostics
Classification: Likely pathogenic. Last evaluated: 2022-03-30. Review status: criteria provided, single submitter. Criteria: ACMG Guidelines, 2015. Collection method: clinical testing. Allele origin: germline. Affected: yes. Observed: 1 variant allele.

Juno Genomics, Hangzhou Juno Genomics, Inc
Classification: Pathogenic for Primary ciliary dyskinesia 24. Review status: criteria provided, single submitter. Criteria: ACMG Guidelines, 2015. Collection method: clinical testing. Allele origin: germline.
Comment: Null variant in a gene where loss of function (LOF) is a known mechanism of disease.;For recessive disorders, detected in trans with a pathogenic variant.;Patient's phenotype or family history is highly specific for a disease with a single genetic etiology.

Literature cited by the submitters: PubMed 23993197 (cited by 3 submitters); PubMed 39039281 (cited by Labcorp Genetics (formerly Invitae), Labcorp); PubMed 17576681 (cited by Labcorp Genetics (formerly Invitae), Labcorp); PubMed 9536098 (cited by Labcorp Genetics (formerly Invitae), Labcorp); PubMed 31772028 (cited by AiLife Diagnostics).

NM_080860.4(RSPH1):c.727+5G>A

Gene: RSPH1 (radial spoke head component 1; minus strand). Cytogenetic location: 21q22.3.
Variant type: single nucleotide variant.
Coding change: c.727+5G>A on transcript NM_080860.4 (MANE Select); 5 bases into the intron after coding-DNA position 727, G replaced by A.
Molecular consequence: intron variant.
Genome position (GRCh38, 1-based): chr21:42,477,286, C>T on the plus strand (G>A on the coding strand, the complement: RSPH1 is on the minus strand). VCF-style: chr21-42477286-C-T. GRCh37 (hg19) VCF-style: chr21-43897396-C-T.
Other names: c.613+5G>A (NM_001286506.2).
Identifiers: ClinVar variation 208999 (VCV000208999.17), dbSNP rs200382776, ClinGen allele CA346947.